The following is an entry in ClinVar:

NM_002894.3(RBBP8):c.1955_1957del (p.Asn652del)

Gene: RBBP8 (RB binding protein 8, endonuclease; plus strand). Cytogenetic location: 18q11.2.
Variant type: Deletion.
Coding change: c.1955_1957del on transcript NM_002894.3 (MANE Select); coding-DNA positions 1955 to 1957, 3 bases deleted (ATA; older notation c.1955_1957delATA).
Protein change: p.Asn652del; deletes asparagine 652.
Molecular consequence: inframe deletion.
Genome position (GRCh38, 1-based): chr18:22,996,389-22,996,391, ATA deleted; deleting any 3 consecutive bases within chr18:22,996,388-22,996,391 gives the same sequence; the c. name uses the placement nearest the transcript's 3' end. VCF-style (leftmost placement, unchanged base first): chr18-22996387-AAAT-A. GRCh37 (hg19) VCF-style: chr18-20576350-AAAT-A.
Other names: c.1955_1957del, p.Asn652del (NM_203291.2, NM_203292.2); short protein forms N652del.
Identifiers: ClinVar variation 1480483 (VCV001480483.6), dbSNP rs2144722200, ClinGen allele CA2573155180.

ClinVar aggregate classification (germline): Uncertain significance (1 of 4 stars; one submission).

Submission:

Labcorp Genetics (formerly Invitae), Labcorp
Classification: Uncertain significance. Last evaluated: 2023-02-27. Review status: criteria provided, single submitter. Criteria: Invitae Variant Classification Sherloc (09022015). Collection method: clinical testing. Allele origin: germline.
Comment: In summary, the available evidence is currently insufficient to determine the role of this variant in disease. Therefore, it has been classified as a Variant of Uncertain Significance. Experimental studies and prediction algorithms are not available or were not evaluated, and the functional significance of this variant is currently unknown. ClinVar contains an entry for this variant (Variation ID: 1480483). This variant has not been reported in the literature in individuals affected with RBBP8-related conditions. This variant is not present in population databases (gnomAD no frequency). This variant, c.1955_1957del, results in the deletion of 1 amino acid(s) of the RBBP8 protein (p.Asn652del), but otherwise preserves the integrity of the reading frame.